The following is an entry in ClinVar:

ClinVar aggregate classification (germline): Uncertain significance (1 of 4 stars; one submission).

Conditions:
Immunodeficiency, common variable, 2 (CVID2). Also called: ANTIBODY DEFICIENCY DUE TO TACI DEFECT; HYPOGAMMAGLOBULINEMIA DUE TO TACI DEFICIENCY. Identifiers: Orphanet 1572, MedGen C3150354, MONDO:0009413, OMIM 240500.

Allele frequency attached by ClinVar (database versions not stated): gnomAD exomes below 0.00001.
gnomAD v4.1: 1 of 1,613,580 alleles (0.000062%); highest among the groups gnomAD compares: Non-Finnish European, 0.000085%; no homozygotes.

Submission:

Labcorp Genetics (formerly Invitae), Labcorp
Classification: Uncertain significance for Immunodeficiency, common variable, 2. Last evaluated: 2022-07-24. Review status: criteria provided, single submitter. Criteria: Invitae Variant Classification Sherloc (09022015). Collection method: clinical testing. Allele origin: germline.
Comment: In summary, the available evidence is currently insufficient to determine the role of this variant in disease. Therefore, it has been classified as a Variant of Uncertain Significance. Algorithms developed to predict the effect of missense changes on protein structure and function output the following: SIFT: "Deleterious"; PolyPhen-2: "Benign"; Align-GVGD: "Class C0". The arginine amino acid residue is found in multiple mammalian species, which suggests that this missense change does not adversely affect protein function. This variant has not been reported in the literature in individuals affected with TNFRSF13B-related conditions. This variant is not present in population databases (gnomAD no frequency). This sequence change replaces cysteine, which is neutral and slightly polar, with arginine, which is basic and polar, at codon 271 of the TNFRSF13B protein (p.Cys271Arg).

NM_012452.3(TNFRSF13B):c.811T>C (p.Cys271Arg)

Gene: TNFRSF13B (TNF receptor superfamily member 13B; minus strand). Cytogenetic location: 17p11.2.
Variant type: single nucleotide variant.
Coding change: c.811T>C on transcript NM_012452.3 (MANE Select); coding-DNA position 811, T replaced by C.
Protein change: p.Cys271Arg; replaces cysteine 271 with arginine.
Molecular consequence: missense variant.
Genome position (GRCh38, 1-based): chr17:16,939,618, A>G on the plus strand (T>C on the coding strand, the complement: TNFRSF13B is on the minus strand). VCF-style: chr17-16939618-A-G. GRCh37 (hg19) VCF-style: chr17-16842932-A-G.
Other names: short protein forms C271R.
Identifiers: ClinVar variation 1713658 (VCV001713658.5), dbSNP rs2508178356, ClinGen allele CA398518975.